The following is an entry in ClinVar:

ClinVar aggregate classification (germline): Uncertain significance. Review status: criteria provided, multiple submitters, no conflicts (2 of 4 stars). 2 submissions from 2 submitters: Uncertain significance (2). Last evaluated 2026-05-10.

Conditions:
TOPORS-related disorder. Also called: TOPORS-related condition.

Allele frequency attached by ClinVar (database versions not stated): gnomAD exomes below 0.00001; ExAC 0.00002; gnomAD 0.00002; TOPMed 0.00002.
gnomAD v4.1: 4 of 1,614,012 alleles (0.00025%); highest among the groups gnomAD compares: Admixed American, 0.0067%; no homozygotes.

Submissions (2):

PreventionGenetics, part of Exact Sciences
Classification: Uncertain significance for TOPORS-related condition. Last evaluated: 2026-05-10. Review status: criteria provided, single submitter. Criteria: ACMG Guidelines, 2015. Collection method: clinical testing. Allele origin: germline.
Comment: The TOPORS c.1600T>C variant is predicted to result in the amino acid substitution p.Ser534Pro. To our knowledge, this variant has not been reported in the literature. This variant is reported in 0.011% of alleles in individuals of Latino descent in gnomAD v2. However, in gnomAD v4 (available only on GRCh38), this variant is reported in 0.0067% of alleles in individuals of Latino descent. At this time, the clinical significance of this variant is uncertain due to the absence of conclusive functional and genetic evidence.

Labcorp Genetics (formerly Invitae), Labcorp
Classification: Uncertain significance. Last evaluated: 2025-09-15. Review status: criteria provided, single submitter. Criteria: Invitae Variant Classification Sherloc (09022015). Collection method: clinical testing. Allele origin: germline.
Comment: This sequence change replaces serine, which is neutral and polar, with proline, which is neutral and non-polar, at codon 534 of the TOPORS protein (p.Ser534Pro). This variant is present in population databases (rs750775169, gnomAD 0.009%). This variant has not been reported in the literature in individuals affected with TOPORS-related conditions. ClinVar contains an entry for this variant (Variation ID: 1929007). An algorithm developed to predict the effect of missense changes on protein structure and function (PolyPhen-2) suggests that this variant is likely to be disruptive. In summary, the available evidence is currently insufficient to determine the role of this variant in disease. Therefore, it has been classified as a Variant of Uncertain Significance.

NM_005802.5(TOPORS):c.1600T>C (p.Ser534Pro)

Gene: TOPORS (TOP1 binding arginine/serine rich protein, E3 ubiquitin ligase; minus strand). Cytogenetic location: 9p21.1.
Variant type: single nucleotide variant.
Coding change: c.1600T>C on transcript NM_005802.5 (MANE Select); coding-DNA position 1600, T replaced by C.
Protein change: p.Ser534Pro; replaces serine 534 with proline.
Molecular consequence: missense variant.
Genome position (GRCh38, 1-based): chr9:32,542,925, A>G on the plus strand (T>C on the coding strand, the complement: TOPORS is on the minus strand). VCF-style: chr9-32542925-A-G. GRCh37 (hg19) VCF-style: chr9-32542923-A-G.
Other names: c.1600T>C (NM_005802.4); c.1405T>C, p.Ser469Pro (NM_001195622.2); short protein forms S469P, S534P.
Identifiers: ClinVar variation 1929007 (VCV001929007.6), dbSNP rs750775169, ClinGen allele CA5020503.
Genomic context (GRCh38, chr9:32,542,925, plus strand): 5'-TACTAGAATCACAATGACCTTTATTTATTTGTTCATCCTTTCCAAGGACAGAGTGTGGAG[A>G]TGAGCATCTACTAACATCGCTATCACCAGAACTGTAAGATTGCTCCTGTTCTTGTGTCTT-3'
Protein context (NP_005793.2, residues 524-544): SGDSDVSRCS[Ser534Pro]PHSVLGKDEQ